The following is an entry in ClinVar:

ClinVar aggregate classification (germline): Pathogenic/Likely pathogenic. Review status: criteria provided, multiple submitters, no conflicts (2 of 4 stars). 2 submissions from 2 submitters: Pathogenic (1); Likely pathogenic (1). Last evaluated 2025-06-30.

Conditions:
Rhizomelic chondrodysplasia punctata (RCDP). Identifiers: Orphanet 177, MedGen C0282529, MONDO:0015776. Disease mechanism: loss of function.
Peroxisome biogenesis disorder 9B. Also called: PEROXISOME BIOGENESIS DISORDER, PEX7-RELATED, ATYPICAL; Refsum disease, adult, 2; PEX7-Related Refsum Disease. Identifiers: Orphanet 773, MedGen C2749346, MONDO:0013945, OMIM 614879.

gnomAD v4.1: 3 of 1,613,976 alleles (0.00019%); highest among the groups gnomAD compares: Non-Finnish European, 0.00017%; no homozygotes.

Submissions (2):

Natera, Inc.
Classification: Likely pathogenic for Rhizomelic Chondrodysplasia Punctata. Last evaluated: 2025-06-30. Review status: criteria provided, single submitter. Criteria: Natera Variant Classification Schema (03/2026). Collection method: clinical testing. Allele origin: germline.
Comment: The c.678G>A variant in PEX7 is a nonsense variant predicted to introduce a stop codon at amino acid 226. This variant is expected to result in nonsense mediated decay, truncation, or a dysfunctional protein product. This variant is rare in the general population with a frequency below the threshold expected for the associated phenotype(s). Given the available evidence, this variant is classified as Likely Pathogenic.

Labcorp Genetics (formerly Invitae), Labcorp
Classification: Pathogenic for Peroxisome biogenesis disorder 9B. Last evaluated: 2024-02-06. Review status: criteria provided, single submitter. Criteria: Invitae Variant Classification Sherloc (09022015). Collection method: clinical testing. Allele origin: germline.
Comment: This sequence change creates a premature translational stop signal (p.Trp226*) in the PEX7 gene. It is expected to result in an absent or disrupted protein product. Loss-of-function variants in PEX7 are known to be pathogenic (PMID: 12325024, 12522768, 20301447). This variant is not present in population databases (gnomAD no frequency). This variant has not been reported in the literature in individuals affected with PEX7-related conditions. For these reasons, this variant has been classified as Pathogenic.

Literature cited by the submitters: PubMed 12325024 (cited by Labcorp Genetics (formerly Invitae), Labcorp); PubMed 12522768 (cited by Labcorp Genetics (formerly Invitae), Labcorp); PubMed 20301447 (cited by Labcorp Genetics (formerly Invitae), Labcorp).

NM_000288.4(PEX7):c.678G>A (p.Trp226Ter)

Gene: PEX7 (peroxisomal biogenesis factor 7; plus strand). Cytogenetic location: 6q23.3.
Variant type: single nucleotide variant.
Coding change: c.678G>A on transcript NM_000288.4 (MANE Select); coding-DNA position 678, G replaced by A.
Protein change: p.Trp226Ter; replaces tryptophan 226 with a stop codon.
Molecular consequence: nonsense.
Genome position (GRCh38, 1-based): chr6:136,869,934, G>A. VCF-style: chr6-136869934-G-A. GRCh37 (hg19) VCF-style: chr6-137191072-G-A.
Other names: c.678G>A (NM_000288.3); c.564G>A, p.Trp188Ter (NM_001410945.1); short protein forms W188*, W226*.
Identifiers: ClinVar variation 3619127 (VCV003619127.3).